The following is an entry in ClinVar:

ClinVar aggregate classification (germline): Uncertain significance. Review status: criteria provided, multiple submitters, no conflicts (2 of 4 stars). 3 submissions from 3 submitters: Uncertain significance (3). Last evaluated 2025-03-17.

Conditions:
Cardiovascular phenotype. Identifiers: MedGen CN230736.
Hypertrophic cardiomyopathy 15. Identifiers: MedGen C2750459, MONDO:0013200, OMIM 613255.
Dilated cardiomyopathy 1W (CMD1W). Identifiers: Orphanet 154, MedGen C1969639, MONDO:0012667, OMIM 611407.

Allele frequency attached by ClinVar (database versions not stated): gnomAD 0.00001; TOPMed 0.00002.
gnomAD v4.1: 2 of 1,614,068 alleles (0.00012%); highest among the groups gnomAD compares: African/African-American, 0.0027%; no homozygotes.

Submissions (3):

Labcorp Genetics (formerly Invitae), Labcorp
Classification: Uncertain significance for Dilated cardiomyopathy 1W. Last evaluated: 2025-03-17. Review status: criteria provided, single submitter. Criteria: Invitae Variant Classification Sherloc (09022015). Collection method: clinical testing. Allele origin: germline.
Comment: This sequence change replaces glutamine, which is neutral and polar, with histidine, which is basic and polar, at codon 501 of the VCL protein (p.Gln501His). This variant is present in population databases (no rsID available, gnomAD 0.01%). This variant has not been reported in the literature in individuals affected with VCL-related conditions. ClinVar contains an entry for this variant (Variation ID: 1016625). An algorithm developed to predict the effect of missense changes on protein structure and function outputs the following: PolyPhen-2: "Possibly Damaging". The histidine amino acid residue is found in multiple mammalian species, which suggests that this missense change does not adversely affect protein function. In summary, the available evidence is currently insufficient to determine the role of this variant in disease. Therefore, it has been classified as a Variant of Uncertain Significance.

Ambry Genetics
Classification: Uncertain significance for Cardiovascular phenotype. Last evaluated: 2024-12-30. Review status: criteria provided, single submitter. Criteria: Ambry Variant Classification Scheme 2023. Collection method: clinical testing. Allele origin: germline.

Fulgent Genetics
Classification: Uncertain significance for Dilated cardiomyopathy 1W; Hypertrophic cardiomyopathy 15. Last evaluated: 2022-03-07. Review status: criteria provided, single submitter. Criteria: ACMG Guidelines, 2015. Collection method: clinical testing. Allele origin: unknown.

NM_014000.3(VCL):c.1503G>C (p.Gln501His)

Gene: VCL (vinculin; plus strand). Cytogenetic location: 10q22.2.
Variant type: single nucleotide variant.
Coding change: c.1503G>C on transcript NM_014000.3 (MANE Select); coding-DNA position 1503, G replaced by C.
Protein change: p.Gln501His; replaces glutamine 501 with histidine.
Molecular consequence: missense variant.
Genome position (GRCh38, 1-based): chr10:74,094,421, G>C. VCF-style: chr10-74094421-G-C. GRCh37 (hg19) VCF-style: chr10-75854179-G-C.
Other names: c.1503G>C, p.Gln501His (NM_003373.4); c.1503G>C (NM_014000.2); short protein forms Q501H.
Identifiers: ClinVar variation 1016625 (VCV001016625.11), dbSNP rs1203105475, ClinGen allele CA377273954.